The following is an entry in ClinVar:

ClinVar aggregate classification (germline): Uncertain significance (1 of 4 stars; one submission).

Conditions:
Malignant hyperthermia, susceptibility to, 1 (MHS1). Also called: Anesthesia related hyperthermia; Malignant hyperpyrexia; Fulminating hyperpyrexia; Pharmacogenic myopathy; RYR1-Related Malignant Hyperthermia Susceptibility; Malignant hyperthermia suceptibility 1. Identifiers: Orphanet 423, MedGen C2930980, MONDO:0007783, OMIM 145600.

Submission:

All of Us Research Program, National Institutes of Health
Classification: Uncertain significance for Malignant hyperthermia, susceptibility to, 1. Last evaluated: 2023-11-20. Review status: criteria provided, single submitter. Criteria: ACMG Guidelines, 2015. Collection method: clinical testing. Allele origin: germline. Inheritance: Autosomal dominant inheritance. Observed: 1 variant allele, 1 heterozygote.
Comment: This variant inserts 1 nucleotide in exon 54 of the RYR1 gene, creating a frameshift and premature translation stop signal. This variant is expected to result in an absent or non-functional protein product. To our knowledge, this variant has not been reported in individuals affected with RYR1-related disorders in the literature. This variant has not been identified in the general population by the Genome Aggregation Database (gnomAD). Loss of RYR1 function due to truncation variants is not an established disease mechanism for autosomal dominant malignant hyperthermia, although it is associated with other phenotype(s). Due to insufficient evidence, this variant is classified as a Variant of Uncertain Significance for autosomal dominant malignant hyperthermia.

This study involves interpretation of variants in research participants for the purpose of population health screening. Participant phenotype was not available at the time of variant classification. Additional details can be found in publication PMID: 35346344, PMCID: PMC8962531

NM_000540.3(RYR1):c.8507dup (p.Lys2837fs)

Genes: RYR1 (ryanodine receptor 1; plus strand), LOC126862902 (BRD4-independent group 4 enhancer GRCh37_chr19:38995830-38997029; plus strand). Cytogenetic location: 19q13.2.
Variant type: Duplication.
Coding change: c.8507dup on transcript NM_000540.3 (MANE Select); coding-DNA position 8507, one base duplicated (A; older notation c.8507dupA).
Protein change: p.Lys2837fs; shifts the reading frame from lysine 2837.
Molecular consequence: frameshift variant.
Genome position (GRCh38, 1-based): chr19:38,505,912, A duplicated; the last of 4 consecutive A bases (chr19:38,505,909-38,505,912); duplicating any one gives the same sequence. VCF-style (leftmost placement, unchanged base first): chr19-38505908-G-GA. GRCh37 (hg19) VCF-style: chr19-38996548-G-GA.
Other names: c.8507dup, p.Lys2837fs (NM_001042723.2); short protein forms K2837fs.
Identifiers: ClinVar variation 3074554 (VCV003074554.1), dbSNP rs2514362440, ClinGen allele CA2825002792.